The following is an entry in ClinVar:

NM_133433.4(NIPBL):c.3316C>T (p.Arg1106Ter)

Gene: NIPBL (NIPBL cohesin loading factor; plus strand). Cytogenetic location: 5p13.2.
Variant type: single nucleotide variant.
Coding change: c.3316C>T on transcript NM_133433.4 (MANE Select); coding-DNA position 3316, C replaced by T.
Protein change: p.Arg1106Ter; replaces arginine 1106 with a stop codon.
Molecular consequence: nonsense.
Genome position (GRCh38, 1-based): chr5:37,000,384, C>T. VCF-style: chr5-37000384-C-T. GRCh37 (hg19) VCF-style: chr5-37000486-C-T.
Other names: p.Arg1106Ter; c.3316C>T, p.Arg1106Ter (NM_015384.5); c.3316C>T (NM_133433.3); short protein forms R1106*.
Identifiers: ClinVar variation 1685981 (VCV001685981.13), dbSNP rs2149668942, ClinGen allele CA359516944.

ClinVar aggregate classification (germline): Pathogenic. Review status: criteria provided, multiple submitters, no conflicts (2 of 4 stars). 7 submissions from 7 submitters: Pathogenic (7). Last evaluated 2025-10-02.

Conditions:
Inborn genetic diseases. Identifiers: MedGen C0950123, MeSH D030342.
Cornelia de Lange syndrome 1 (CDLS1). Also called: TYPUS DEGENERATIVUS AMSTELODAMENSIS; Brachmann de Lange syndrome; NIPBL-Related Cornelia de Lange Syndrome. Identifiers: Orphanet 199, MedGen C4551851, MONDO:0007387, OMIM 122470.

Submissions (7):

3billion
Classification: Pathogenic for Cornelia de Lange syndrome 1. Last evaluated: 2025-10-02. Review status: criteria provided, single submitter. Criteria: ACMG Guidelines, 2015. Collection method: clinical testing. Allele origin: germline. Affected: yes.
Comment: The variant is not observed in the gnomAD v4.1.0 dataset. Predicted Consequence/Location: Stop-gained (nonsense): predicted to result in a loss or disruption of normal protein function through nonsense-mediated decay (NMD) or protein truncation. Multiple pathogenic variants are reported downstream of the variant. The variant has been previously reported as de novo in a similarly affected individual (PMID: 26701315). The variant has been reported at least twice as pathogenic with clinical assertions and evidence for the classification (ClinVar ID: VCV001685981 /PMID: 26701315 /3billion dataset). Therefore, this variant is classified as Pathogenic according to the recommendation of ACMG/AMP guideline.

Ambry Genetics
Classification: Pathogenic for Inborn genetic diseases. Last evaluated: 2024-11-01. Review status: criteria provided, single submitter. Criteria: Ambry Variant Classification Scheme 2023. Collection method: clinical testing. Allele origin: germline.
Comment: The c.3316C>T (p.R1106*) alteration, located in exon 12 (coding exon 11) of the NIPBL gene, consists of a C to T substitution at nucleotide position 3316. This changes the amino acid from an arginine (R) to a stop codon at amino acid position 1106. This alteration is expected to result in loss of function by premature protein truncation or nonsense-mediated mRNA decay. This variant was not reported in population-based cohorts in the Genome Aggregation Database (gnomAD). This variant has been determined to be the result of a de novo mutation in an individual with features consistent with Cornelia de Lange syndrome (Nizon, 2016). Based on the available evidence, this alteration is classified as pathogenic.

GeneDx
Classification: Pathogenic. Last evaluated: 2023-11-29. Review status: criteria provided, single submitter. Criteria: GeneDx Variant Classification Process June 2021. Collection method: clinical testing. Allele origin: germline. Affected: yes.
Comment: Nonsense variant predicted to result in protein truncation or nonsense mediated decay in a gene for which loss-of-function is a known mechanism of disease; Not observed in large population cohorts (gnomAD); This variant is associated with the following publications: (PMID: 26701315, 32005694)

Labcorp Genetics (formerly Invitae), Labcorp
Classification: Pathogenic for Cornelia de Lange syndrome 1. Last evaluated: 2022-09-03. Review status: criteria provided, single submitter. Criteria: Invitae Variant Classification Sherloc (09022015). Collection method: clinical testing. Allele origin: germline.
Comment: This premature translational stop signal has been observed in individual(s) with Cornelia de Lange syndrome (PMID: 26701315). This variant is not present in population databases (gnomAD no frequency). This sequence change creates a premature translational stop signal (p.Arg1106*) in the NIPBL gene. It is expected to result in an absent or disrupted protein product. Loss-of-function variants in NIPBL are known to be pathogenic (PMID: 15318302, 19763162, 23505322, 29995837). For these reasons, this variant has been classified as Pathogenic. ClinVar contains an entry for this variant (Variation ID: 1685981).

Breakthrough Genomics
Classification: Pathogenic for Cornelia de Lange syndrome 1. Last evaluated: 2022-07-05. Review status: criteria provided, single submitter. Criteria: ACMG Guidelines, 2015. Collection method: clinical testing. Allele origin: germline. Affected: yes.
Comment: This variant is predicted to cause a premature termination of the protein (p.Arg1106Ter) and the resultant protein will likely to lack HEAT repeats and C-terminal region of the protein; this will likely result in loss-of-function. Due to the introduction of a premature stop codon, this aberrant transcript will likely be targeted by the nonsense-mediated mRNA decay (NMD) mechanism [PMID: 15040442]. The identified variant is not present in population databases. The identified variant has been reported in a patient with Cornelia de Lange syndrome as de novo [PMID: 26701315]. In addition, loss-of-function variants in NIPBL gene are known to be pathogenic [PMID: 15318302, 19763162, 23505322, 29995837].

Mendelics
Classification: Pathogenic for Cornelia de Lange syndrome 1. Last evaluated: 2022-05-04. Review status: criteria provided, single submitter. Criteria: Mendelics Assertion Criteria 2019. Collection method: clinical testing. Allele origin: germline.

Victorian Clinical Genetics Services, Murdoch Childrens Research Institute
Classification: Pathogenic for Cornelia de Lange syndrome 1. Last evaluated: 2020-06-11. Review status: criteria provided, single submitter. Criteria: ACMG Guidelines, 2015. Collection method: clinical testing. Allele origin: germline. Inheritance: Autosomal dominant inheritance. Affected: yes.
Comment: Based on the classification scheme VCGS_Germline_v1.1.1, this variant is classified as 5-Pathogenic. Following criteria are met: 0102 - Loss-of-function is a known mechanism of disease for this gene. (N) 0107 - This gene is known to be associated with autosomal dominant disease. (N) 0201 - Variant is predicted to cause nonsense-mediated decay (NMD) and loss of protein (exon 12 of 47). (P) 0251 - Variant is heterozygous. (N) 0301 - Variant is absent from gnomAD. (P) 0701 - Comparable variants also predicted to result in NMD, have very strong previous evidence for pathogenicity in patients with Cornelia de Lange syndrome (ClinVar, Decipher). (P) 0801 - Strong previous evidence of pathogenicity in three individuals with Cornelia de Lange syndrome, where the variant has been reported twice as de novo (LOVD, PMID: 26701315), and once as mosaic (PMID: 32005694). (P) Legend: (P) - Pathogenic, (N) - Neutral, (B) - Benign

Literature cited by the submitters: PubMed 26701315 (cited by 4 submitters); PubMed 32005694 (cited by Ambry Genetics and Victorian Clinical Genetics Services, Murdoch Childrens Research Institute); PubMed 15318302 (cited by Labcorp Genetics (formerly Invitae), Labcorp); PubMed 19763162 (cited by Labcorp Genetics (formerly Invitae), Labcorp); PubMed 23505322 (cited by Labcorp Genetics (formerly Invitae), Labcorp); PubMed 29995837 (cited by Labcorp Genetics (formerly Invitae), Labcorp).